The following is an entry in ClinVar:

ClinVar aggregate classification (germline): Likely benign. Review status: criteria provided, multiple submitters, no conflicts (2 of 4 stars). 3 submissions from 3 submitters: Likely benign (2). 1 of the submissions does not count toward it. Last evaluated 2026-01-14.

Conditions:
SP7-related disorder. Also called: SP7-related condition.

Allele frequency attached by ClinVar (database versions not stated): ESP Exome Variant Server 0.00041; ExAC 0.00069; TOPMed 0.00071; gnomAD exomes 0.00074; gnomAD 0.00075 and 0.00081; 1000 Genomes Project 0.00140; 1000 Genomes Project 30x 0.00141.
gnomAD v4.1: 693 of 1,544,072 alleles (0.045%); highest among the groups gnomAD compares: East Asian, 0.28%; 6 homozygotes.

Submissions (3):

Labcorp Genetics (formerly Invitae), Labcorp
Classification: Likely benign. Last evaluated: 2026-01-14. Review status: criteria provided, single submitter. Criteria: Invitae Variant Classification Sherloc (09022015). Collection method: clinical testing. Allele origin: germline.

Blueprint Genetics
Classification: Likely benign. Last evaluated: 2024-11-01. Review status: criteria provided, single submitter. Criteria: ACMG Guidelines, 2015. Collection method: clinical testing. Allele origin: germline.

PreventionGenetics, part of Exact Sciences
Classification: Likely benign for SP7-related condition. Last evaluated: 2024-09-08. Review status: no assertion criteria provided. Collection method: clinical testing. Allele origin: germline. Not counted in ClinVar's aggregate classification.
Comment: This variant is classified as likely benign based on ACMG/AMP sequence variant interpretation guidelines (Richards et al. 2015 PMID: 25741868, with internal and published modifications).

NM_001173467.3(SP7):c.6G>A (p.Ala2=)

Gene: SP7 (Sp7 transcription factor; minus strand). Cytogenetic location: 12q13.13.
Variant type: single nucleotide variant.
Coding change: c.6G>A on transcript NM_001173467.3 (MANE Select); coding-DNA position 6, G replaced by A.
Protein change: p.Ala2=; no amino-acid change (alanine 2 retained).
Molecular consequence: synonymous variant. On other transcripts: intron variant (1).
Genome position (GRCh38, 1-based): chr12:53,335,641, C>T on the plus strand (G>A on the coding strand, the complement: SP7 is on the minus strand). VCF-style: chr12-53335641-C-T. GRCh37 (hg19) VCF-style: chr12-53729425-C-T.
Other names: c.6G>A, p.Ala2= (NM_152860.2); c.-34+505G>A (NM_001300837.2).
Identifiers: ClinVar variation 724912 (VCV000724912.11), dbSNP rs375712065, ClinGen allele CA6599655.
Genomic context (GRCh38, chr12:53,335,641, plus strand): 5'-ATTAAGGTTGTGGCTGGTTTCCTGGGGGGAAGAGGGGACAGTTACCTCAAGCAGGGAGGA[C>T]GCCATCCTGAGGCTGGGGAACGGGTCCCAAGGAGCCAGGCAGATGGAGAGAGCTGAGCCG-3'
Protein context (NP_001166938.1, residues 1-12): M[Ala2=]SSLLEEEVHY